The following is an entry in ClinVar:

ClinVar aggregate classification (germline): Likely pathogenic (1 of 4 stars; one submission).

Conditions:
Hypertrichotic osteochondrodysplasia Cantu type. Also called: Cantú Syndrome; Cantu Syndrome. Identifiers: Orphanet 1517, MedGen C0795905, MONDO:0009406, OMIM 239850.

Submission:

3billion
Classification: Likely pathogenic for Hypertrichotic osteochondrodysplasia Cantu type. Last evaluated: 2025-06-09. Review status: criteria provided, single submitter. Criteria: ACMG Guidelines, 2015. Collection method: clinical testing. Allele origin: germline. Affected: yes.
Comment: The variant is not observed in the gnomAD v4.1.0 dataset. Predicted Consequence/Location: Missense variant. Missense changes are a common disease-causing mechanism. In silico tool predictions suggest damaging effect of the variant on gene or gene product [REVEL: 0.65 (>=0.6, sensitivity 0.68 and specificity 0.92); 3Cnet: 0.99 (> 0.75, sensitivity 0.96 and precision 0.92)]. The variant has been previously reported as assumed (i.e. paternity and maternity not confirmed) de novo in at least one similarly affected unrelated individual (3billion dataset). A different missense change at the same codon (p.Cys1043Tyr) has been reported to be associated with ABCC9-related disorder (ClinVar ID: VCV000031948). Therefore, this variant is classified as Likely pathogenic according to the recommendation of ACMG/AMP guideline.

NM_020297.4(ABCC9):c.3129T>G (p.Cys1043Trp)

Gene: ABCC9 (ATP binding cassette subfamily C member 9; minus strand). Cytogenetic location: 12p12.1.
Variant type: single nucleotide variant.
Coding change: c.3129T>G on transcript NM_020297.4 (MANE Select); coding-DNA position 3129, T replaced by G.
Protein change: p.Cys1043Trp; replaces cysteine 1043 with tryptophan.
Molecular consequence: missense variant.
Genome position (GRCh38, 1-based): chr12:21,844,883, A>C on the plus strand (T>G on the coding strand, the complement: ABCC9 is on the minus strand). VCF-style: chr12-21844883-A-C. GRCh37 (hg19) VCF-style: chr12-21997817-A-C.
Other names: c.3129T>G, p.Cys1043Trp (NM_001377273.1, NM_005691.4); c.2262T>G, p.Cys754Trp (NM_001377274.1); short protein forms C1043W, C754W.
Identifiers: ClinVar variation 4854777 (VCV004854777.1).